The following is an entry in ClinVar:

NM_024675.4(PALB2):c.1555G>T (p.Ala519Ser)

Gene: PALB2 (partner and localizer of BRCA2; minus strand). Cytogenetic location: 16p12.2.
Variant type: single nucleotide variant.
Coding change: c.1555G>T on transcript NM_024675.4 (MANE Select); coding-DNA position 1555, G replaced by T.
Protein change: p.Ala519Ser; replaces alanine 519 with serine.
Molecular consequence: missense variant. On other transcripts: intron variant (3).
Genome position (GRCh38, 1-based): chr16:23,634,991, C>A on the plus strand (G>T on the coding strand, the complement: PALB2 is on the minus strand). VCF-style: chr16-23634991-C-A. GRCh37 (hg19) VCF-style: chr16-23646312-C-A.
Other names: c.1495G>T, p.Ala499Ser (NM_001407296.1); c.1555G>T, p.Ala519Ser (NM_001407297.1, NM_001407298.1, NM_001407299.1 and 3 more transcripts); c.670G>T, p.Ala224Ser (NM_001407304.1, NM_001407305.1, NM_001407306.1 and 5 more transcripts); c.49-5716G>T (NM_001407314.1); c.-104-4522G>T (NM_001407313.1, NM_001407312.1); short protein forms A499S, A519S, A224S.
Identifiers: ClinVar variation 3647776 (VCV003647776.2).
Genomic context (GRCh38, chr16:23,634,991, plus strand): 5'-CAATCGACAGGCTAGAAGTTGGCAAAAGTGGTTCACAATGATCTGATGCTGGGGTGCAGG[C>A]TGATTTTCTTTTTCCTGTGTATCTTCTACCAGGTGCTTGGGCAACTGCCTTCCTAGACAA-3'
Protein context (NP_078951.2, residues 509-529): GRRYTGKRKS[Ala519Ser]CTPASDHCEP

ClinVar aggregate classification (germline): Uncertain significance (1 of 4 stars; one submission).

Conditions:
Familial cancer of breast. Also called: hereditary breast carcinoma; BREAST CANCER, FAMILIAL; Hereditary breast cancer. Identifiers: Orphanet 227535, MedGen C0346153, MONDO:0016419, OMIM 114480. Disease mechanism: loss of function.

Submission:

Labcorp Genetics (formerly Invitae), Labcorp
Classification: Uncertain significance for Familial cancer of breast. Last evaluated: 2024-03-27. Review status: criteria provided, single submitter. Criteria: Invitae Variant Classification Sherloc (09022015). Collection method: clinical testing. Allele origin: germline.
Comment: This sequence change replaces alanine, which is neutral and non-polar, with serine, which is neutral and polar, at codon 519 of the PALB2 protein (p.Ala519Ser). This variant is not present in population databases (gnomAD no frequency). This variant has not been reported in the literature in individuals affected with PALB2-related conditions. Advanced modeling of protein sequence and biophysical properties (such as structural, functional, and spatial information, amino acid conservation, physicochemical variation, residue mobility, and thermodynamic stability) performed at Invitae indicates that this missense variant is not expected to disrupt PALB2 protein function with a negative predictive value of 80%. In summary, the available evidence is currently insufficient to determine the role of this variant in disease. Therefore, it has been classified as a Variant of Uncertain Significance.